The following is an entry in ClinVar:

NM_001080467.3(MYO5B):c.1334T>G (p.Phe445Cys)

Gene: MYO5B (myosin VB; minus strand). Cytogenetic location: 18q21.1.
Variant type: single nucleotide variant.
Coding change: c.1334T>G on transcript NM_001080467.3 (MANE Select); coding-DNA position 1334, T replaced by G.
Protein change: p.Phe445Cys; replaces phenylalanine 445 with cysteine.
Molecular consequence: missense variant.
Genome position (GRCh38, 1-based): chr18:49,963,019, A>C on the plus strand (T>G on the coding strand, the complement: MYO5B is on the minus strand). VCF-style: chr18-49963019-A-C. GRCh37 (hg19) VCF-style: chr18-47489389-A-C.
Other names: short protein forms F445C.
Identifiers: ClinVar variation 1496229 (VCV001496229.8), dbSNP rs2144261521, ClinGen allele CA402430508.

ClinVar aggregate classification (germline): Uncertain significance (1 of 4 stars; one submission).

Submission:

Labcorp Genetics (formerly Invitae), Labcorp
Classification: Uncertain significance. Last evaluated: 2023-12-06. Review status: criteria provided, single submitter. Criteria: Invitae Variant Classification Sherloc (09022015). Collection method: clinical testing. Allele origin: germline.
Comment: This sequence change replaces phenylalanine, which is neutral and non-polar, with cysteine, which is neutral and slightly polar, at codon 445 of the MYO5B protein (p.Phe445Cys). This variant is not present in population databases (gnomAD no frequency). This variant has not been reported in the literature in individuals affected with MYO5B-related conditions. ClinVar contains an entry for this variant (Variation ID: 1496229). Advanced modeling of protein sequence and biophysical properties (such as structural, functional, and spatial information, amino acid conservation, physicochemical variation, residue mobility, and thermodynamic stability) performed at Invitae indicates that this missense variant is expected to disrupt MYO5B protein function with a positive predictive value of 80%. In summary, the available evidence is currently insufficient to determine the role of this variant in disease. Therefore, it has been classified as a Variant of Uncertain Significance.